The following is an entry in ClinVar:

NM_002471.4(MYH6):c.3808C>T (p.Arg1270Cys)

Gene: MYH6 (myosin heavy chain 6; minus strand). Cytogenetic location: 14q11.2.
Variant type: single nucleotide variant.
Coding change: c.3808C>T on transcript NM_002471.4 (MANE Select); coding-DNA position 3808, C replaced by T.
Protein change: p.Arg1270Cys; replaces arginine 1270 with cysteine.
Molecular consequence: missense variant.
Genome position (GRCh38, 1-based): chr14:23,389,644, G>A on the plus strand (C>T on the coding strand, the complement: MYH6 is on the minus strand). VCF-style: chr14-23389644-G-A. GRCh37 (hg19) VCF-style: chr14-23858853-G-A.
Other names: short protein forms R1270C.
Identifiers: ClinVar variation 407140 (VCV000407140.23), dbSNP rs371849826, ClinGen allele CA7115066.

ClinVar aggregate classification (germline): Conflicting classifications of pathogenicity. Review status: criteria provided, conflicting classifications (1 of 4 stars). 9 submissions from 9 submitters: Uncertain significance (5); Likely benign (1). 3 of the submissions do not count toward it. Last evaluated 2026-02-01.

Conditions:
MYH6-related disorder. Also called: MYH6-Related Disorders; MYH6-related condition.
Cardiovascular phenotype. Identifiers: MedGen CN230736.
Hypertrophic cardiomyopathy 14. Identifiers: MedGen C2750467, MONDO:0013197, OMIM 613251.
Hypertrophic cardiomyopathy 1 (CMH1). Also called: Familial hypertrophic cardiomyopathy 1; MYH7-Related Familial Hypertrophic Cardiomyopathy. Identifiers: MedGen C3495498, MONDO:0008647, OMIM 192600.
Sick sinus syndrome 3, susceptibility to (SSS3). Identifiers: Orphanet 166282, MedGen C3279791, MONDO:0013568, OMIM 614090.
Dilated cardiomyopathy 1EE (CMD1EE). Identifiers: Orphanet 154, MedGen C2750466, MONDO:0013198, OMIM 613252.
Atrial septal defect 3 (ASD3). Identifiers: Orphanet 1478, MedGen C3279790, MONDO:0013567, OMIM 614089.

Allele frequency attached by ClinVar (database versions not stated): gnomAD exomes 0.00005 and 0.00007; ExAC 0.00006; gnomAD 0.00007 and 0.00009; TOPMed 0.00007; ESP Exome Variant Server 0.00031.
gnomAD v4.1: 91 of 1,614,056 alleles (0.0056%); highest among the groups gnomAD compares: African/African-American, 0.0093%; no homozygotes.

Submissions (9):

Labcorp Genetics (formerly Invitae), Labcorp
Classification: Uncertain significance for Hypertrophic cardiomyopathy 14. Last evaluated: 2026-02-01. Review status: criteria provided, single submitter. Criteria: Invitae Variant Classification Sherloc (09022015). Collection method: clinical testing. Allele origin: germline.
Comment: This sequence change replaces arginine, which is basic and polar, with cysteine, which is neutral and slightly polar, at codon 1270 of the MYH6 protein (p.Arg1270Cys). This variant is present in population databases (rs371849826, gnomAD 0.01%). This variant has not been reported in the literature in individuals affected with MYH6-related conditions. ClinVar contains an entry for this variant (Variation ID: 407140). Invitae Evidence Modeling of protein sequence and biophysical properties (such as structural, functional, and spatial information, amino acid conservation, physicochemical variation, residue mobility, and thermodynamic stability) indicates that this missense variant is expected to disrupt MYH6 protein function with a positive predictive value of 80%. In summary, the available evidence is currently insufficient to determine the role of this variant in disease. Therefore, it has been classified as a Variant of Uncertain Significance.

Ambry Genetics
Classification: Uncertain significance for Cardiovascular phenotype. Last evaluated: 2025-12-07. Review status: criteria provided, single submitter. Criteria: Ambry Variant Classification Scheme 2023. Collection method: clinical testing. Allele origin: germline.
Comment: The p.R1270C variant (also known as c.3808C>T), located in coding exon 25 of the MYH6 gene, results from a C to T substitution at nucleotide position 3808. The arginine at codon 1270 is replaced by cysteine, an amino acid with highly dissimilar properties. This variant co-occurred with a TTN frameshift alteration in an individual with sudden cardiac arrest (Seidelmann SB et al. Circ Cardiovasc Genet. 2017 Feb;10(1)). This variant was also detected in a cardiomyopathy genetic testing cohort; however, clinical details were limited, and additional cardiac variants were detected (van Lint FHM et al. Neth Heart J, 2019 Jun;27:304-309). This amino acid position is highly conserved in available vertebrate species. In addition, this alteration is predicted to be deleterious by in silico analysis. Since supporting evidence is limited at this time, the clinical significance of this alteration remains unclear.

PreventionGenetics, part of Exact Sciences
Classification: Uncertain significance for MYH6-related condition. Last evaluated: 2025-09-26. Review status: criteria provided, single submitter. Criteria: ACMG Guidelines, 2015. Collection method: clinical testing. Allele origin: germline.
Comment: The MYH6 c.3808C>T variant is predicted to result in the amino acid substitution p.Arg1270Cys. This variant has been reported in an individual with a mild form of dilated cardiomyopathy and aborted sudden cardiac death; however, this individual also carried a frameshift variant in TTN. The MYH6 c.3808C>T variant was inherited from the asymptomatic father (Seidelmann et al. 2017. PubMed ID: 28087566). This variant has also been reported in an individual with unspecified cardiomyopathy (online supplementary file 2, van Lint et al. 2019. PubMed ID: 30847666). This variant is reported in 0.012% of alleles in individuals of African descent in gnomAD. At this time, the clinical significance of this variant is uncertain due to the absence of conclusive functional and genetic evidence.

Blueprint Genetics
Classification: Likely benign. Last evaluated: 2022-11-22. Review status: criteria provided, single submitter. Criteria: ACMG Guidelines, 2015. Collection method: clinical testing. Allele origin: germline.

Fulgent Genetics
Classification: Uncertain significance for Hypertrophic cardiomyopathy 1; Hypertrophic cardiomyopathy 14; Dilated cardiomyopathy 1EE; Atrial septal defect 3; Sick sinus syndrome 3, susceptibility to. Last evaluated: 2021-09-13. Review status: criteria provided, single submitter. Criteria: ACMG Guidelines, 2015. Collection method: clinical testing. Allele origin: unknown.

GeneDx
Classification: Uncertain significance. Last evaluated: 2019-08-02. Review status: criteria provided, single submitter. Criteria: GeneDx Variant Classification Process June 2021. Collection method: clinical testing. Allele origin: germline. Affected: yes.
Comment: Reported in ClinVar as a variant of uncertain significance but additional evidence is not available (ClinVar Variant ID# 407140; Landrum et al., 2016); In silico analysis, which includes protein predictors and evolutionary conservation, supports a deleterious effect; This variant is associated with the following publications: (PMID: 28087566)

Clinical Genetics DNA and cytogenetics Diagnostics Lab, Erasmus MC, Erasmus Medical Center
Classification: Uncertain significance. Review status: no assertion criteria provided. Collection method: clinical testing. Allele origin: germline. Affected: yes. Study: VKGL Data-share Consensus. Not counted in ClinVar's aggregate classification.

Clinical Genetics, Academic Medical Center
Classification: Uncertain significance. Review status: no assertion criteria provided. Collection method: clinical testing. Allele origin: germline. Affected: yes. Study: VKGL Data-share Consensus. Not counted in ClinVar's aggregate classification.

Joint Genome Diagnostic Labs from Nijmegen and Maastricht, Radboudumc and MUMC+
Classification: Uncertain significance. Review status: no assertion criteria provided. Collection method: clinical testing. Allele origin: germline. Affected: yes. Study: VKGL Data-share Consensus. Not counted in ClinVar's aggregate classification.

Literature cited by the submitters: PubMed 28087566 (cited by Ambry Genetics); PubMed 30847666 (cited by Ambry Genetics).